The following is an entry in ClinVar:

NM_000642.3(AGL):c.3259+3A>C

Gene: AGL (amylo-alpha-1,6-glucosidase and 4-alpha-glucanotransferase; plus strand). Cytogenetic location: 1p21.2.
Variant type: single nucleotide variant.
Coding change: c.3259+3A>C on transcript NM_000642.3 (MANE Select); 3 bases into the intron after coding-DNA position 3259, A replaced by C.
Molecular consequence: intron variant.
Genome position (GRCh38, 1-based): chr1:99,892,610, A>C. VCF-style: chr1-99892610-A-C. GRCh37 (hg19) VCF-style: chr1-100358166-A-C.
Other names: c.3259+3A>C (NM_000643.3, NM_000644.3, NM_001425325.1 and 1 more transcripts); c.3211+3A>C (NM_000646.3); c.3238+3A>C (NM_001425326.1); c.3058+3A>C (NM_001425327.1); c.3055+3A>C (NM_001425328.1); c.2920+3A>C (NM_001425329.1); c.2881+3A>C (NM_001425332.1).
Identifiers: ClinVar variation 1491117 (VCV001491117.6), dbSNP rs748859491, ClinGen allele CA2573132746.

ClinVar aggregate classification (germline): Uncertain significance (1 of 4 stars; one submission).

Conditions:
Glycogen storage disease type III (GSD3). Also called: FORBES DISEASE; Cori disease. Identifiers: Orphanet 366, MedGen C0017922, MONDO:0009291, OMIM 232400.

Submission:

Labcorp Genetics (formerly Invitae), Labcorp
Classification: Uncertain significance for Glycogen storage disease type III. Last evaluated: 2021-03-08. Review status: criteria provided, single submitter. Criteria: Invitae Variant Classification Sherloc (09022015). Collection method: clinical testing. Allele origin: germline.
Comment: This sequence change falls in intron 24 of the AGL gene. It does not directly change the encoded amino acid sequence of the AGL protein. It affects a nucleotide within the consensus splice site of the intron. This variant is not present in population databases (ExAC no frequency). This variant has not been reported in the literature in individuals with AGL-related conditions. Nucleotide substitutions within the consensus splice site are a relatively common cause of aberrant splicing (PMID: 17576681, 9536098). Algorithms developed to predict the effect of sequence changes on RNA splicing suggest that this variant may disrupt the consensus splice site, but this prediction has not been confirmed by published transcriptional studies. In summary, the available evidence is currently insufficient to determine the role of this variant in disease. Therefore, it has been classified as a Variant of Uncertain Significance.

Literature cited by the submitters: PubMed 17576681; PubMed 9536098.